The following is an entry in ClinVar:

ClinVar aggregate classification (germline): Uncertain significance (1 of 4 stars; one submission).

Conditions:
Peroxisome biogenesis disorder, complementation group K (CGK). Identifiers: MedGen C1866257, MONDO:0800365.

Submission:

Labcorp Genetics (formerly Invitae), Labcorp
Classification: Uncertain significance for Peroxisome biogenesis disorder, complementation group K. Last evaluated: 2022-07-03. Review status: criteria provided, single submitter. Criteria: Invitae Variant Classification Sherloc (09022015). Collection method: clinical testing. Allele origin: germline.
Comment: In summary, the available evidence is currently insufficient to determine the role of this variant in disease. Therefore, it has been classified as a Variant of Uncertain Significance. This variant results in a copy number gain of the genomic region encompassing exon(s) 1 of the PEX14 gene. This region includes the initiator codon of the gene. This copy number gain extends beyond the assayed region for this gene and therefore may encompass additional genes. As the precise location of this event is unknown, it may be in tandem or it may be located elsewhere in the genome. This variant has not been reported in the literature in individuals affected with PEX14-related conditions. Experimental studies and prediction algorithms are not available or were not evaluated, and the functional significance of this variant is currently unknown.

NC_000001.10:g.(?_10535024)_(10535079_?)dup

Gene: PEX14 (peroxisomal biogenesis factor 14; plus strand). Cytogenetic location: 1p36.22.
Variant type: Duplication.
Identifiers: ClinVar variation 2425166 (VCV002425166.4).